The following is an entry in ClinVar:

ClinVar aggregate classification (germline): Uncertain significance (1 of 4 stars; one submission).

Conditions:
Multiple endocrine neoplasia, type 2 (MEN2). Identifiers: Orphanet 653, MedGen C4048306, MONDO:0019003. Disease mechanism: gain of function.

Submission:

Labcorp Genetics (formerly Invitae), Labcorp
Classification: Uncertain significance for Multiple endocrine neoplasia, type 2. Last evaluated: 2023-12-01. Review status: criteria provided, single submitter. Criteria: Invitae Variant Classification Sherloc (09022015). Collection method: clinical testing. Allele origin: germline.
Comment: This sequence change replaces alanine, which is neutral and non-polar, with valine, which is neutral and non-polar, at codon 46 of the RET protein (p.Ala46Val). This variant is not present in population databases (gnomAD no frequency). This variant has not been reported in the literature in individuals affected with RET-related conditions. ClinVar contains an entry for this variant (Variation ID: 1018976). Algorithms developed to predict the effect of missense changes on protein structure and function output the following: SIFT: "Not Available"; PolyPhen-2: "Benign"; Align-GVGD: "Not Available". The valine amino acid residue is found in multiple mammalian species, which suggests that this missense change does not adversely affect protein function. In summary, the available evidence is currently insufficient to determine the role of this variant in disease. Therefore, it has been classified as a Variant of Uncertain Significance.

NM_020975.6(RET):c.137C>T (p.Ala46Val)

Gene: RET (ret proto-oncogene; plus strand). Cytogenetic location: 10q11.21.
Variant type: single nucleotide variant.
Coding change: c.137C>T on transcript NM_020975.6 (MANE Select); coding-DNA position 137, C replaced by T.
Protein change: p.Ala46Val; replaces alanine 46 with valine.
Molecular consequence: missense variant.
Genome position (GRCh38, 1-based): chr10:43,100,522, C>T. VCF-style: chr10-43100522-C-T. GRCh37 (hg19) VCF-style: chr10-43595970-C-T.
Other names: c.137C>T, p.Ala46Val (NM_000323.2, NM_001406743.1, NM_001406744.1 and 34 more transcripts); short protein forms A46V.
Identifiers: ClinVar variation 1018976 (VCV001018976.9), dbSNP rs1837615394, ClinGen allele CA376770176.